The following is an entry in ClinVar:

ClinVar aggregate classification (germline): Uncertain significance (1 of 4 stars; one submission).

Conditions:
Cardiovascular phenotype. Identifiers: MedGen CN230736.

Submission:

Ambry Genetics
Classification: Uncertain significance for Cardiovascular phenotype. Last evaluated: 2025-09-17. Review status: criteria provided, single submitter. Criteria: Ambry Variant Classification Scheme 2023. Collection method: clinical testing. Allele origin: germline.
Comment: The p.T242I variant (also known as c.725C>T), located in coding exon 5 of the GATAD1 gene, results from a C to T substitution at nucleotide position 725. The threonine at codon 242 is replaced by isoleucine, an amino acid with similar properties. This amino acid position is conserved. In addition, this alteration is predicted to be tolerated by in silico analysis. Based on the available evidence, the clinical significance of this variant remains unclear.

NM_021167.5(GATAD1):c.725C>T (p.Thr242Ile)

Gene: GATAD1 (GATA zinc finger domain containing 1; plus strand). Cytogenetic location: 7q21.2.
Variant type: single nucleotide variant.
Coding change: c.725C>T on transcript NM_021167.5 (MANE Select); coding-DNA position 725, C replaced by T.
Protein change: p.Thr242Ile; replaces threonine 242 with isoleucine.
Molecular consequence: missense variant. On other transcripts: non-coding transcript variant (1).
Genome position (GRCh38, 1-based): chr7:92,456,477, C>T. VCF-style: chr7-92456477-C-T. GRCh37 (hg19) VCF-style: chr7-92085791-C-T.
Other names: short protein forms T242I.
Identifiers: ClinVar variation 4614240 (VCV004614240.1).